The following is an entry in ClinVar:

NM_006904.7(PRKDC):c.3557A>G (p.Lys1186Arg)

Gene: PRKDC (protein kinase, DNA-activated, catalytic subunit; minus strand). Cytogenetic location: 8q11.21.
Variant type: single nucleotide variant.
Coding change: c.3557A>G on transcript NM_006904.7 (MANE Select); coding-DNA position 3557, A replaced by G.
Protein change: p.Lys1186Arg; replaces lysine 1186 with arginine.
Molecular consequence: missense variant.
Genome position (GRCh38, 1-based): chr8:47,897,202, T>C on the plus strand (A>G on the coding strand, the complement: PRKDC is on the minus strand). VCF-style: chr8-47897202-T-C. GRCh37 (hg19) VCF-style: chr8-48809762-T-C.
Other names: c.3557A>G, p.Lys1186Arg (NM_001081640.2); short protein forms K1186R.
Identifiers: ClinVar variation 3425335 (VCV003425335.1).

ClinVar aggregate classification (germline): Uncertain significance (1 of 4 stars; one submission).

Submission:

Ambry Genetics
Classification: Uncertain significance. Last evaluated: 2024-09-15. Review status: criteria provided, single submitter. Criteria: Ambry Variant Classification Scheme 2023. Collection method: clinical testing. Allele origin: germline.
Comment: The p.K1186R variant (also known as c.3557A>G), located in coding exon 30 of the PRKDC gene, results from an A to G substitution at nucleotide position 3557. The lysine at codon 1186 is replaced by arginine, an amino acid with highly similar properties. This amino acid position is conserved. In addition, the in silico prediction for this alteration is inconclusive. Based on the available evidence, the clinical significance of this variant remains unclear.